The following is an entry in ClinVar:

NM_000123.4(ERCC5):c.510T>C (p.Asn170=)

Genes: BIVM-ERCC5 (BIVM-ERCC5 readthrough; plus strand), ERCC5 (ERCC excision repair 5, endonuclease; plus strand). Cytogenetic location: 13q33.1.
Variant type: single nucleotide variant.
Coding change: c.510T>C on transcript NM_000123.4 (MANE Select); coding-DNA position 510, T replaced by C.
Protein change: p.Asn170=; no amino-acid change (asparagine 170 retained).
Molecular consequence: synonymous variant.
Genome position (GRCh38, 1-based): chr13:102,856,094, T>C. VCF-style: chr13-102856094-T-C. GRCh37 (hg19) VCF-style: chr13-103508444-T-C.
Other names: c.1872T>C, p.Asn624= (NM_001204425.2).
Identifiers: ClinVar variation 727184 (VCV000727184.37), dbSNP rs142884592, ClinGen allele CA7041186.

ClinVar aggregate classification (germline): Likely benign. Review status: criteria provided, multiple submitters, no conflicts (2 of 4 stars). 5 submissions from 5 submitters: Likely benign (4). 1 of the submissions does not count toward it. Last evaluated 2026-08-01.

Conditions:
Hereditary cancer-predisposing syndrome. Also called: Hereditary neoplastic syndrome; Hereditary Cancer Syndrome; Neoplastic Syndromes, Hereditary; Tumor predisposition. Identifiers: Orphanet 140162, MedGen C0027672, MeSH D009386, MONDO:0015356.
ERCC5-related disorder. Also called: ERCC5-related condition.

Allele frequency attached by ClinVar (database versions not stated): ESP Exome Variant Server 0.00008; ExAC 0.00013; gnomAD exomes 0.00013 and 0.00014; 1000 Genomes Project 30x 0.00016; gnomAD 0.00019; TOPMed 0.00019; 1000 Genomes Project 0.00020.
gnomAD v4.1: 223 of 1,613,554 alleles (0.014%); highest among the groups gnomAD compares: Admixed American, 0.032%; no homozygotes.

Submissions (5):

CeGaT Center for Human Genetics Tuebingen
Classification: Likely benign. Last evaluated: 2026-08-01. Review status: criteria provided, single submitter. Criteria: CeGaT Center For Human Genetics Tuebingen Variant Classification Criteria Version 2. Collection method: clinical testing. Allele origin: germline. Affected: yes. Observed: 5 variant alleles.
Comment: ERCC5: BP4, BP7

Labcorp Genetics (formerly Invitae), Labcorp
Classification: Likely benign. Last evaluated: 2026-01-22. Review status: criteria provided, single submitter. Criteria: Invitae Variant Classification Sherloc (09022015). Collection method: clinical testing. Allele origin: germline.

Blueprint Genetics
Classification: Likely benign. Last evaluated: 2024-10-07. Review status: criteria provided, single submitter. Criteria: ACMG Guidelines, 2015. Collection method: clinical testing. Allele origin: germline.

Sema4
Classification: Likely benign for Hereditary cancer-predisposing syndrome. Last evaluated: 2020-10-13. Review status: criteria provided, single submitter. Criteria: Sema4 Curation Guidelines. Collection method: curation. Allele origin: germline.

PreventionGenetics, part of Exact Sciences
Classification: Likely benign for ERCC5-related condition. Last evaluated: 2023-02-20. Review status: no assertion criteria provided. Collection method: clinical testing. Allele origin: germline. Not counted in ClinVar's aggregate classification.
Comment: This variant is classified as likely benign based on ACMG/AMP sequence variant interpretation guidelines (Richards et al. 2015 PMID: 25741868, with internal and published modifications).